The following is an entry in ClinVar:

ClinVar aggregate classification (germline): Benign. Review status: criteria provided, multiple submitters, no conflicts (2 of 4 stars). 2 submissions from 2 submitters: Benign (2). Last evaluated 2018-06-14.

Allele frequency attached by ClinVar (database versions not stated): gnomAD exomes 0.73792; TOPMed 0.79493; 1000 Genomes Project 0.83846; gnomAD 0.78910 and 0.78772; 1000 Genomes Project 30x 0.84229.
gnomAD v4.1: 379,024 of 503,232 alleles (75%); highest among the groups gnomAD compares: African/African-American, 94%; 144,526 homozygotes.

Submissions (2):

GeneDx
Classification: Benign. Last evaluated: 2018-06-14. Review status: criteria provided, single submitter. Criteria: GeneDx Variant Classification (06012015). Collection method: clinical testing. Allele origin: germline. Affected: yes.
Comment: This variant is considered likely benign or benign based on one or more of the following criteria: it is a conservative change, it occurs at a poorly conserved position in the protein, it is predicted to be benign by multiple in silico algorithms, and/or has population frequency not consistent with disease.

Breakthrough Genomics
Classification: Benign. Review status: criteria provided, single submitter. Criteria: ACMG Guidelines, 2015. Collection method: not provided. Allele origin: germline. Inheritance: Autosomal dominant inheritance. Affected: yes.

NM_007078.2(LDB3):c.-291T>C

Gene: LDB3 (LIM domain binding 3; plus strand). Cytogenetic location: 10q23.2.
Variant type: single nucleotide variant.
Coding change: c.-291T>C on transcript NM_007078.2; 291 bases upstream of the start codon, T replaced by C.
Molecular consequence: intron variant (on NM_001368064.1).
Genome position (GRCh38, 1-based): chr10:86,668,401, T>C. VCF-style: chr10-86668401-T-C. GRCh37 (hg19) VCF-style: chr10-88428158-T-C.
Other names: c.-23-268T>C (NM_001368064.1, NM_001368063.1, NM_001368068.1).
Identifiers: ClinVar variation 671123 (VCV000671123.4), dbSNP rs2803555, ClinGen allele CA15641448.